The following is an entry in ClinVar:

NM_004006.3(DMD):c.7765A>G (p.Lys2589Glu)

Gene: DMD (dystrophin; minus strand). Cytogenetic location: Xp21.1.
Variant type: single nucleotide variant.
Coding change: c.7765A>G on transcript NM_004006.3 (MANE Select); coding-DNA position 7765, A replaced by G.
Protein change: p.Lys2589Glu; replaces lysine 2589 with glutamic acid.
Molecular consequence: missense variant.
Genome position (GRCh38, 1-based): chrX:31,679,482, T>C on the plus strand (A>G on the coding strand, the complement: DMD is on the minus strand). VCF-style: chrX-31679482-T-C. GRCh37 (hg19) VCF-style: chrX-31697599-T-C.
Other names: c.7741A>G, p.Lys2581Glu (NM_000109.4); c.7753A>G, p.Lys2585Glu (NM_004009.3); c.7396A>G, p.Lys2466Glu (NM_004010.3); c.3742A>G, p.Lys1248Glu (NM_004011.4); c.3733A>G, p.Lys1245Glu (NM_004012.4); c.385A>G, p.Lys129Glu (NM_004013.3, NM_004020.4, NM_004021.3 and 2 more transcripts); short protein forms K1245E, K2466E, K1248E, K129E, K2585E, K2589E, K2581E.
Identifiers: ClinVar variation 2042386 (VCV002042386.4), dbSNP rs2529177524, ClinGen allele CA412656786.

ClinVar aggregate classification (germline): Uncertain significance (1 of 4 stars; one submission).

Conditions:
Duchenne muscular dystrophy (DMD). Also called: MUSCULAR DYSTROPHY, PSEUDOHYPERTROPHIC PROGRESSIVE, DUCHENNE TYPE; Duchenne Muscular Dystrophy (DMD). Identifiers: Orphanet 98896, MedGen C0013264, MONDO:0010679, OMIM 310200.

Submission:

Labcorp Genetics (formerly Invitae), Labcorp
Classification: Uncertain significance for Duchenne muscular dystrophy. Last evaluated: 2023-10-22. Review status: criteria provided, single submitter. Criteria: Invitae Variant Classification Sherloc (09022015). Collection method: clinical testing. Allele origin: germline.
Comment: This sequence change replaces lysine, which is basic and polar, with glutamic acid, which is acidic and polar, at codon 2589 of the DMD protein (p.Lys2589Glu). This variant is not present in population databases (gnomAD no frequency). This variant has not been reported in the literature in individuals affected with DMD-related conditions. ClinVar contains an entry for this variant (Variation ID: 2042386). Advanced modeling of protein sequence and biophysical properties (such as structural, functional, and spatial information, amino acid conservation, physicochemical variation, residue mobility, and thermodynamic stability) performed at Invitae indicates that this missense variant is not expected to disrupt DMD protein function. In summary, the available evidence is currently insufficient to determine the role of this variant in disease. Therefore, it has been classified as a Variant of Uncertain Significance.